The following is an entry in ClinVar:

ClinVar aggregate classification (germline): Likely pathogenic (1 of 4 stars; one submission).

Submission:

GeneDx
Classification: Likely pathogenic. Last evaluated: 2025-04-14. Review status: criteria provided, single submitter. Criteria: GeneDx Variant Classification Process June 2021. Collection method: clinical testing. Allele origin: germline. Affected: yes.
Comment: Frameshift variant predicted to result in protein truncation or nonsense mediated decay in a gene for which loss of function is a known mechanism of disease; Not observed at significant frequency in large population cohorts (gnomAD); Has not been previously published as pathogenic or benign to our knowledge

NM_198576.4(AGRN):c.4026dup (p.Thr1343fs)

Gene: AGRN (agrin; plus strand). Cytogenetic location: 1p36.33.
Variant type: Duplication.
Coding change: c.4026dup on transcript NM_198576.4 (MANE Select); coding-DNA position 4026, one base duplicated (G; older notation c.4026dupG).
Protein change: p.Thr1343fs; shifts the reading frame from threonine 1343.
Molecular consequence: frameshift variant.
Genome position (GRCh38, 1-based): chr1:1,048,286, G duplicated; the last of 6 consecutive G bases (chr1:1,048,281-1,048,286); duplicating any one gives the same sequence. VCF-style (leftmost placement, unchanged base first): chr1-1048280-C-CG. GRCh37 (hg19) VCF-style: chr1-983660-C-CG.
Other names: c.4026dup, p.Thr1343fs (NM_001305275.2); c.3711dup, p.Thr1238fs (NM_001364727.2); short protein forms T1238fs, T1343fs.
Identifiers: ClinVar variation 4282008 (VCV004282008.1).